The following is an entry in ClinVar:

NM_001267550.2(TTN):c.84338C>T (p.Ser28113Phe)

Genes: TTN (titin; minus strand), TTN-AS1 (TTN antisense RNA 1; plus strand). Cytogenetic location: 2q31.2.
Variant type: single nucleotide variant.
Coding change: c.84338C>T on transcript NM_001267550.2 (MANE Select); coding-DNA position 84338, C replaced by T.
Protein change: p.Ser28113Phe; replaces serine 28113 with phenylalanine.
Molecular consequence: missense variant.
Genome position (GRCh38, 1-based): chr2:178,561,794, G>A on the plus strand (C>T on the coding strand, the complement: TTN is on the minus strand). VCF-style: chr2-178561794-G-A. GRCh37 (hg19) VCF-style: chr2-179426521-G-A.
Other names: p.Ser25545Phe; c.79415C>T, p.Ser26472Phe (NM_001256850.1); c.57143C>T, p.Ser19048Phe (NM_003319.4); c.76634C>T, p.Ser25545Phe (NM_133378.4); c.57518C>T, p.Ser19173Phe (NM_133432.3); c.57719C>T, p.Ser19240Phe (NM_133437.4); short protein forms S28113F, S25545F, S26472F, S19173F, S19048F, S19240F.
Identifiers: ClinVar variation 467561 (VCV000467561.8), dbSNP rs753201539, ClinGen allele CA1988792.

ClinVar aggregate classification (germline): Uncertain significance. Review status: criteria provided, multiple submitters, no conflicts (2 of 4 stars). 5 submissions from 5 submitters: Uncertain significance (5). Last evaluated 2026-08-06.

Conditions:
TTN-related disorder. Also called: TTN-related condition; TTN-related disease; TTN-related disorders.
Autosomal recessive limb-girdle muscular dystrophy type 2J (LGMDR10). Also called: Limb-girdle muscular dystrophy, type 2J; MUSCULAR DYSTROPHY, LIMB-GIRDLE, AUTOSOMAL RECESSIVE 10. Identifiers: Orphanet 140922, MedGen C1837342, MONDO:0012127, OMIM 608807.
Dilated cardiomyopathy 1G (CMD1G). Identifiers: Orphanet 154, MedGen C1858763, MONDO:0011400, OMIM 604145.
Cardiovascular phenotype. Identifiers: MedGen CN230736.
Hypertrophic cardiomyopathy 9. Also called: Familial hypertrophic cardiomyopathy 9. Identifiers: MedGen C1861065, MONDO:0013412, OMIM 613765.
Myopathy, myofibrillar, 9, with early respiratory failure (MFM9). Also called: Hereditary myopathy with early respiratory failure; MYOPATHY, PROXIMAL, WITH EARLY RESPIRATORY MUSCLE INVOLVEMENT; EDSTROM MYOPATHY; Myopathy, distal, with early respiratory failure, autosomal dominant. Identifiers: Orphanet 178464, Orphanet 34521, MedGen C1863599, MONDO:0011362, OMIM 603689.
Tibial muscular dystrophy (TMD). Also called: Udd Distal Myopathy – Tibial Muscular Dystrophy; UDD MYOPATHY; Tibial muscular dystrophy, tardive. Identifiers: Orphanet 609, MedGen C1838244, MONDO:0010870, OMIM 600334.
Early-onset myopathy with fatal cardiomyopathy (CMYO5). Also called: Salih Myopathy; CONGENITAL MYOPATHY 5 WITH CARDIOMYOPATHY. Identifiers: Orphanet 289377, MedGen C2673677, MONDO:0012714, OMIM 611705. Disease mechanism: loss of function.

Allele frequency attached by ClinVar (database versions not stated): ExAC 0.00001; gnomAD exomes 0.00001; TOPMed 0.00001.
gnomAD v4.1: 15 of 1,613,608 alleles (0.00093%); highest among the groups gnomAD compares: Non-Finnish European, 0.0013%; no homozygotes.

Submissions (5):

PreventionGenetics, part of Exact Sciences
Classification: Uncertain significance for TTN-related condition. Last evaluated: 2026-08-06. Review status: criteria provided, single submitter. Criteria: ACMG Guidelines, 2015. Collection method: clinical testing. Allele origin: germline.
Comment: The TTN c.84338C>T variant is predicted to result in the amino acid substitution p.Ser28113Phe. To our knowledge, this variant has not been reported in the literature. This variant has been reported in 1 heterozygous individual within the ‘other’ subpopulation in gnomAD. At this time, the clinical significance of this variant is uncertain due to the absence of conclusive functional and genetic evidence.

Mayo Clinic Laboratories, Mayo Clinic
Classification: Uncertain significance. Last evaluated: 2025-05-15. Review status: criteria provided, single submitter. Criteria: ACMG Guidelines, 2015. Collection method: clinical testing. Allele origin: germline. Observed: 1 variant allele.

Fulgent Genetics
Classification: Uncertain significance for Tibial muscular dystrophy; Myopathy, myofibrillar, 9, with early respiratory failure; Dilated cardiomyopathy 1G; Autosomal recessive limb-girdle muscular dystrophy type 2J; Early-onset myopathy with fatal cardiomyopathy; Hypertrophic cardiomyopathy 9. Last evaluated: 2021-11-09. Review status: criteria provided, single submitter. Criteria: ACMG Guidelines, 2015. Collection method: clinical testing. Allele origin: unknown.

Ambry Genetics
Classification: Uncertain significance for Cardiovascular phenotype. Last evaluated: 2019-12-26. Review status: criteria provided, single submitter. Criteria: Ambry Variant Classification Scheme 2023. Collection method: clinical testing. Allele origin: germline.
Comment: The p.S19048F variant (also known as c.57143C>T), located in coding exon 153 of the TTN gene, results from a C to T substitution at nucleotide position 57143. The serine at codon 19048 is replaced by phenylalanine, an amino acid with highly dissimilar properties. This amino acid position is highly conserved in available vertebrate species. In addition, the in silico prediction for this alteration is inconclusive. Since supporting evidence is limited at this time, the clinical significance of this alteration remains unclear.

Labcorp Genetics (formerly Invitae), Labcorp
Classification: Uncertain significance for Dilated cardiomyopathy 1G; Autosomal recessive limb-girdle muscular dystrophy type 2J. Last evaluated: 2017-03-06. Review status: criteria provided, single submitter. Criteria: Invitae Variant Classification Sherloc (09022015). Collection method: clinical testing. Allele origin: germline.